The following is an entry in ClinVar:

ClinVar aggregate classification (germline): Uncertain significance (1 of 4 stars; one submission).

Conditions:
COL4A5-related disorder. Also called: COL4A5-related condition.

Submission:

PreventionGenetics, part of Exact Sciences
Classification: Uncertain significance for COL4A5-related condition. Last evaluated: 2025-05-01. Review status: criteria provided, single submitter. Criteria: ACMG Guidelines, 2015. Collection method: clinical testing. Allele origin: germline.
Comment: The COL4A5 c.4651C>A variant is predicted to result in the amino acid substitution p.Pro1551Thr. To our knowledge, this variant has not been reported in the literature or in a large population database (gnomAD), indicating this variant is rare. The p.Pro1551 residue is highly conserved. The REVEL (rare exome variant ensemble learner) program predicts this variant is pathogenic at a "moderate" level (Ioannidis et al. 2016. PubMed ID: 27666373; Bergquist et al. 2024. PubMed ID: 39345488). Although we suspect that this variant may be pathogenic, at this time, the clinical significance of this variant is uncertain due to the absence of conclusive functional and genetic evidence.

NM_033380.3(COL4A5):c.4669C>A (p.Pro1557Thr)

Gene: COL4A5 (collagen type IV alpha 5 chain; plus strand). Cytogenetic location: Xq22.3.
Variant type: single nucleotide variant.
Coding change: c.4669C>A on transcript NM_033380.3 (MANE Select); coding-DNA position 4669, C replaced by A.
Protein change: p.Pro1557Thr; replaces proline 1557 with threonine.
Molecular consequence: missense variant.
Genome position (GRCh38, 1-based): chrX:108,692,888, C>A. VCF-style: chrX-108692888-C-A. GRCh37 (hg19) VCF-style: chrX-107936118-C-A.
Other names: c.4651C>A, p.Pro1551Thr (NM_000495.5); short protein forms P1551T, P1557T.
Identifiers: ClinVar variation 4981215 (VCV004981215.1).
Genomic context (GRCh38, chrX:108,692,888, plus strand): 5'-TCAAGAAATGACTATTCTTACTGGCTCTCTACCCCAGAGCCCATGCCAATGAGCATGCAA[C>A]CCCTAAAGGGCCAGAGCATCCAGCCATTCATTAGTCGGTAAGGCATTGATTTAGCTGTGA-3'
Protein context (NP_203699.1, residues 1547-1567): TPEPMPMSMQ[Pro1557Thr]LKGQSIQPFI